The following is an entry in ClinVar:

ClinVar aggregate classification (germline): Uncertain significance (1 of 4 stars; one submission).

Allele frequency attached by ClinVar (database versions not stated): gnomAD 0.00001; ExAC 0.00002; TOPMed 0.00002; gnomAD exomes 0.00003.
gnomAD v4.1: 48 of 1,614,054 alleles (0.003%); highest among the groups gnomAD compares: South Asian, 0.0055%; no homozygotes.

Submission:

Labcorp Genetics (formerly Invitae), Labcorp
Classification: Uncertain significance. Last evaluated: 2022-06-09. Review status: criteria provided, single submitter. Criteria: Invitae Variant Classification Sherloc (09022015). Collection method: clinical testing. Allele origin: germline.
Comment: In summary, the available evidence is currently insufficient to determine the role of this variant in disease. Therefore, it has been classified as a Variant of Uncertain Significance. Algorithms developed to predict the effect of missense changes on protein structure and function are either unavailable or do not agree on the potential impact of this missense change (SIFT: "Deleterious"; PolyPhen-2: "Probably Damaging"; Align-GVGD: "Class C0"). This variant has not been reported in the literature in individuals affected with AK7-related conditions. This variant is present in population databases (rs774815872, gnomAD 0.01%). This sequence change replaces serine, which is neutral and polar, with leucine, which is neutral and non-polar, at codon 153 of the AK7 protein (p.Ser153Leu).

NM_152327.5(AK7):c.458C>T (p.Ser153Leu)

Gene: AK7 (adenylate kinase 7; plus strand). Cytogenetic location: 14q32.2.
Variant type: single nucleotide variant.
Coding change: c.458C>T on transcript NM_152327.5 (MANE Select); coding-DNA position 458, C replaced by T.
Protein change: p.Ser153Leu; replaces serine 153 with leucine.
Molecular consequence: missense variant.
Genome position (GRCh38, 1-based): chr14:96,408,901, C>T. VCF-style: chr14-96408901-C-T. GRCh37 (hg19) VCF-style: chr14-96875238-C-T.
Other names: c.458C>T, p.Ser153Leu (NM_001350888.2, NM_001350890.2, NM_001350891.2 and 1 more transcripts); short protein forms S153L.
Identifiers: ClinVar variation 2159542 (VCV002159542.4), dbSNP rs774815872, ClinGen allele CA7337481.